The following is an entry in ClinVar:

ClinVar aggregate classification (germline): Uncertain significance (1 of 4 stars; one submission).

Submission:

GeneDx
Classification: Uncertain significance. Last evaluated: 2024-04-14. Review status: criteria provided, single submitter. Criteria: GeneDx Variant Classification Process June 2021. Collection method: clinical testing. Allele origin: germline. Affected: yes.
Comment: Not observed at significant frequency in large population cohorts (gnomAD); In silico analysis indicates that this missense variant does not alter protein structure/function; Has not been previously published as pathogenic or benign to our knowledge

NM_002235.5(KCNA6):c.49G>A (p.Gly17Arg)

Genes: KCNA6 (potassium voltage-gated channel subfamily A member 6; plus strand), KCNA6-AS1 (KCNA6 antisense RNA 1; minus strand). Cytogenetic location: 12p13.32.
Variant type: single nucleotide variant.
Coding change: c.49G>A on transcript NM_002235.5 (MANE Select); coding-DNA position 49, G replaced by A.
Protein change: p.Gly17Arg; replaces glycine 17 with arginine.
Molecular consequence: missense variant. On other transcripts: non-coding transcript variant (3).
Genome position (GRCh38, 1-based): chr12:4,810,090, G>A. VCF-style: chr12-4810090-G-A. GRCh37 (hg19) VCF-style: chr12-4919256-G-A.
Other names: short protein forms G17R.
Identifiers: ClinVar variation 3372528 (VCV003372528.1).